The following is an entry in ClinVar:

ClinVar aggregate classification (germline): Conflicting classifications of pathogenicity. Review status: criteria provided, conflicting classifications (1 of 4 stars). 2 submissions from 2 submitters: Pathogenic (1); Uncertain significance (1). Last evaluated 2022-06-28.

Conditions:
Congenital myasthenic syndrome 4A. Also called: CONGENITAL MYASTHENIC SYNDROME TYPE Ia1; MYASTHENIC SYNDROME, CONGENITAL, 4A, SLOW-CHANNEL, AUTOSOMAL RECESSIVE; Myasthenic syndrome, congenital, 4a, slow-channel. Identifiers: Orphanet 590, MedGen C4225413, MONDO:0011600, OMIM 605809.

Submissions (2):

GeneDx
Classification: Uncertain significance. Last evaluated: 2022-06-28. Review status: criteria provided, single submitter. Criteria: GeneDx Variant Classification Process June 2021. Collection method: clinical testing. Allele origin: germline. Affected: yes.
Comment: Not observed at significant frequency in large population cohorts (gnomAD); In silico analysis supports that this missense variant has a deleterious effect on protein structure/function; Has not been previously published as pathogenic or benign to our knowledge

Mendelics
Classification: Pathogenic for Congenital myasthenic syndrome 4A. Last evaluated: 2022-05-04. Review status: criteria provided, single submitter. Criteria: Mendelics Assertion Criteria 2019. Collection method: clinical testing. Allele origin: germline.

NM_000080.4(CHRNE):c.793C>T (p.Pro265Ser)

Genes: C17orf107 (chromosome 17 open reading frame 107; plus strand), CHRNE (cholinergic receptor nicotinic epsilon subunit; minus strand). Cytogenetic location: 17p13.2.
Variant type: single nucleotide variant.
Coding change: c.793C>T on transcript NM_000080.4 (MANE Select); coding-DNA position 793, C replaced by T.
Protein change: p.Pro265Ser; replaces proline 265 with serine.
Molecular consequence: missense variant. On other transcripts: 3 prime UTR variant (1).
Genome position (GRCh38, 1-based): chr17:4,900,999, G>A on the plus strand (C>T on the coding strand, the complement: CHRNE is on the minus strand). VCF-style: chr17-4900999-G-A. GRCh37 (hg19) VCF-style: chr17-4804294-G-A.
Other names: c.*466G>A (NM_001145536.2); short protein forms P265S.
Identifiers: ClinVar variation 1685633 (VCV001685633.2), dbSNP rs2151097209, ClinGen allele CA397304726.
Genomic context (GRCh38, chr17:4,900,999, plus strand): 5'-CCTCCCGGGAGCGAGCCCGGGTTTGGGGGTAGGTTCGGGGCCACTGCTTACCCTGCGCCG[G>A]CAGGAAGTAGGCGAGCAGCACCAGGCCCGAGATGAGCACACAGGGCACGATGATGTTAAT-3'
Protein context (NP_000071.1, residues 255-275): SGLVLLAYFL[Pro265Ser]AQAGGQKCTV